The following is an entry in ClinVar:

ClinVar aggregate classification (germline): Uncertain significance (1 of 4 stars; one submission).

Allele frequency attached by ClinVar (database versions not stated): gnomAD exomes 0.00001; TOPMed 0.00002.
gnomAD v4.1: 15 of 1,613,528 alleles (0.00093%); highest among the groups gnomAD compares: Non-Finnish European, 0.0013%; no homozygotes.

Submission:

Labcorp Genetics (formerly Invitae), Labcorp
Classification: Uncertain significance. Last evaluated: 2022-10-04. Review status: criteria provided, single submitter. Criteria: Invitae Variant Classification Sherloc (09022015). Collection method: clinical testing. Allele origin: germline.
Comment: In summary, the available evidence is currently insufficient to determine the role of this variant in disease. Therefore, it has been classified as a Variant of Uncertain Significance. Advanced modeling of protein sequence and biophysical properties (such as structural, functional, and spatial information, amino acid conservation, physicochemical variation, residue mobility, and thermodynamic stability) performed at Invitae indicates that this missense variant is not expected to disrupt TTLL5 protein function. ClinVar contains an entry for this variant (Variation ID: 1020851). This variant has not been reported in the literature in individuals affected with TTLL5-related conditions. This variant is present in population databases (no rsID available, gnomAD 0.002%). This sequence change replaces aspartic acid, which is acidic and polar, with glycine, which is neutral and non-polar, at codon 73 of the TTLL5 protein (p.Asp73Gly).

NM_015072.5(TTLL5):c.218A>G (p.Asp73Gly)

Gene: TTLL5 (tubulin tyrosine ligase like 5; plus strand). Cytogenetic location: 14q24.3.
Variant type: single nucleotide variant.
Coding change: c.218A>G on transcript NM_015072.5 (MANE Select); coding-DNA position 218, A replaced by G.
Protein change: p.Asp73Gly; replaces aspartic acid 73 with glycine.
Molecular consequence: missense variant.
Genome position (GRCh38, 1-based): chr14:75,681,581, A>G. VCF-style: chr14-75681581-A-G. GRCh37 (hg19) VCF-style: chr14-76147924-A-G.
Other names: short protein forms D73G.
Identifiers: ClinVar variation 1020851 (VCV001020851.10), dbSNP rs1212233539, ClinGen allele CA390452064.